The following is an entry in ClinVar:

ClinVar aggregate classification (germline): Uncertain significance (1 of 4 stars; one submission).

Conditions:
Retinoblastoma (RB1). Also called: RETINOBLASTOMA, SOMATIC. Identifiers: Orphanet 790, MedGen C0035335, MeSH D012175, MONDO:0008380, OMIM 180200, HP:0009919. Disease mechanism: loss of function. Inheritance: Both sporadic and heritable forms are tested..

Submission:

Labcorp Genetics (formerly Invitae), Labcorp
Classification: Uncertain significance for Retinoblastoma. Last evaluated: 2024-09-30. Review status: criteria provided, single submitter. Criteria: Invitae Variant Classification Sherloc (09022015). Collection method: clinical testing. Allele origin: germline.
Comment: This sequence change replaces isoleucine, which is neutral and non-polar, with asparagine, which is neutral and polar, at codon 785 of the RB1 protein (p.Ile785Asn). This variant is not present in population databases (gnomAD no frequency). This variant has not been reported in the literature in individuals affected with RB1-related conditions. Invitae Evidence Modeling of protein sequence and biophysical properties (such as structural, functional, and spatial information, amino acid conservation, physicochemical variation, residue mobility, and thermodynamic stability) indicates that this missense variant is not expected to disrupt RB1 protein function with a negative predictive value of 80%. In summary, the available evidence is currently insufficient to determine the role of this variant in disease. Therefore, it has been classified as a Variant of Uncertain Significance.

NM_000321.3(RB1):c.2354T>A (p.Ile785Asn)

Gene: RB1 (RB transcriptional corepressor 1; plus strand). Cytogenetic location: 13q14.2.
Variant type: single nucleotide variant.
Coding change: c.2354T>A on transcript NM_000321.3 (MANE Select); coding-DNA position 2354, T replaced by A.
Protein change: p.Ile785Asn; replaces isoleucine 785 with asparagine.
Molecular consequence: missense variant.
Genome position (GRCh38, 1-based): chr13:48,465,233, T>A. VCF-style: chr13-48465233-T-A. GRCh37 (hg19) VCF-style: chr13-49039369-T-A.
Other names: c.2354T>A, p.Ile785Asn (NM_001407165.1); short protein forms I785N.
Identifiers: ClinVar variation 3660050 (VCV003660050.2).